The following is an entry in ClinVar:

NM_020184.4(CNNM4):c.2041G>A (p.Gly681Ser)

Gene: CNNM4 (cyclin and CBS domain divalent metal cation transport mediator 4; plus strand). Cytogenetic location: 2q11.2.
Variant type: single nucleotide variant.
Coding change: c.2041G>A on transcript NM_020184.4 (MANE Select); coding-DNA position 2041, G replaced by A.
Protein change: p.Gly681Ser; replaces glycine 681 with serine.
Molecular consequence: missense variant.
Genome position (GRCh38, 1-based): chr2:96,808,653, G>A. VCF-style: chr2-96808653-G-A. GRCh37 (hg19) VCF-style: chr2-97474390-G-A.
Other names: short protein forms G681S.
Identifiers: ClinVar variation 969304 (VCV000969304.10), dbSNP rs536756508, ClinGen allele CA1783555.

ClinVar aggregate classification (germline): Uncertain significance. Review status: criteria provided, multiple submitters, no conflicts (2 of 4 stars). 4 submissions from 4 submitters: Uncertain significance (3). 1 of the submissions does not count toward it. Last evaluated 2025-10-01.

Conditions:
CNNM4-related disorder. Also called: CNNM4-related condition.
Inborn genetic diseases. Identifiers: MedGen C0950123, MeSH D030342.

Allele frequency attached by ClinVar (database versions not stated): ExAC 0.00003; gnomAD 0.00004 and 0.00005; gnomAD exomes 0.00004 and 0.00006; TOPMed 0.00006; 1000 Genomes Project 30x 0.00031; 1000 Genomes Project 0.00040.
gnomAD v4.1: 31 of 1,614,204 alleles (0.0019%); highest among the groups gnomAD compares: Admixed American, 0.052%; no homozygotes.

Submissions (4):

Ambry Genetics
Classification: Uncertain significance for Inborn genetic diseases. Last evaluated: 2025-10-01. Review status: criteria provided, single submitter. Criteria: Ambry Variant Classification Scheme 2023. Collection method: clinical testing. Allele origin: germline.

Labcorp Genetics (formerly Invitae), Labcorp
Classification: Uncertain significance. Last evaluated: 2024-10-25. Review status: criteria provided, single submitter. Criteria: Invitae Variant Classification Sherloc (09022015). Collection method: clinical testing. Allele origin: germline.
Comment: This sequence change replaces glycine, which is neutral and non-polar, with serine, which is neutral and polar, at codon 681 of the CNNM4 protein (p.Gly681Ser). This variant is present in population databases (rs536756508, gnomAD 0.04%). This variant has not been reported in the literature in individuals affected with CNNM4-related conditions. ClinVar contains an entry for this variant (Variation ID: 969304). Invitae Evidence Modeling of protein sequence and biophysical properties (such as structural, functional, and spatial information, amino acid conservation, physicochemical variation, residue mobility, and thermodynamic stability) indicates that this missense variant is not expected to disrupt CNNM4 protein function with a negative predictive value of 80%. In summary, the available evidence is currently insufficient to determine the role of this variant in disease. Therefore, it has been classified as a Variant of Uncertain Significance.

Blueprint Genetics
Classification: Uncertain significance. Last evaluated: 2024-06-17. Review status: criteria provided, single submitter. Criteria: ACMG Guidelines, 2015. Collection method: clinical testing. Allele origin: germline.

PreventionGenetics, part of Exact Sciences
Classification: Uncertain significance for CNNM4-related condition. Last evaluated: 2024-09-03. Review status: no assertion criteria provided. Collection method: clinical testing. Allele origin: germline. Not counted in ClinVar's aggregate classification.
Comment: The CNNM4 c.2041G>A variant is predicted to result in the amino acid substitution p.Gly681Ser. To our knowledge, this variant has not been reported in the literature. This variant is reported in 0.043% of alleles in individuals of Latino descent in gnomAD. At this time, the clinical significance of this variant is uncertain due to the absence of conclusive functional and genetic evidence.